The following is an entry in ClinVar:

ClinVar aggregate classification (germline): Uncertain significance (1 of 4 stars; one submission).

Conditions:
Spastic paraplegia. Identifiers: MedGen C0037772, HP:0001258.

Allele frequency attached by ClinVar (database versions not stated): gnomAD exomes below 0.00001 and 0.00001; gnomAD 0.00001; TOPMed 0.00001.
gnomAD v4.1: 7 of 1,612,942 alleles (0.00043%); highest among the groups gnomAD compares: East Asian, 0.013%; no homozygotes.

Submission:

Labcorp Genetics (formerly Invitae), Labcorp
Classification: Uncertain significance for Spastic paraplegia. Last evaluated: 2022-08-09. Review status: criteria provided, single submitter. Criteria: Invitae Variant Classification Sherloc (09022015). Collection method: clinical testing. Allele origin: germline.
Comment: This variant is present in population databases (no rsID available, gnomAD 0.01%). This sequence change replaces proline, which is neutral and non-polar, with serine, which is neutral and polar, at codon 245 of the RTN2 protein (p.Pro245Ser). This variant has not been reported in the literature in individuals affected with RTN2-related conditions. ClinVar contains an entry for this variant (Variation ID: 655272). Algorithms developed to predict the effect of missense changes on protein structure and function (SIFT, PolyPhen-2, Align-GVGD) all suggest that this variant is likely to be tolerated. In summary, the available evidence is currently insufficient to determine the role of this variant in disease. Therefore, it has been classified as a Variant of Uncertain Significance.

NM_005619.5(RTN2):c.733C>T (p.Pro245Ser)

Genes: OPA3-RTN2 (OPA3-RTN2 readthrough; minus strand), RTN2 (reticulon 2; minus strand). Cytogenetic location: 19q13.32.
Variant type: single nucleotide variant.
Coding change: c.733C>T on transcript NM_005619.5 (MANE Select); coding-DNA position 733, C replaced by T.
Protein change: p.Pro245Ser; replaces proline 245 with serine.
Molecular consequence: missense variant.
Genome position (GRCh38, 1-based): chr19:45,494,247, G>A on the plus strand (C>T on the coding strand, the complement: RTN2 is on the minus strand). VCF-style: chr19-45494247-G-A. GRCh37 (hg19) VCF-style: chr19-45997505-G-A.
Other names: c.733C>T, p.Pro245Ser (NM_206900.3); short protein forms P245S.
Identifiers: ClinVar variation 655272 (VCV000655272.8), dbSNP rs1162893244, ClinGen allele CA406360455.